The following is an entry in ClinVar:

ClinVar aggregate classification (germline): Uncertain significance (1 of 4 stars; one submission).

gnomAD v4.1: 6 of 1,614,194 alleles (0.00037%); highest among the groups gnomAD compares: Non-Finnish European, 0.00042%; no homozygotes.

Submission:

Labcorp Genetics (formerly Invitae), Labcorp
Classification: Uncertain significance. Last evaluated: 2024-10-21. Review status: criteria provided, single submitter. Criteria: Invitae Variant Classification Sherloc (09022015). Collection method: clinical testing. Allele origin: germline.
Comment: This sequence change affects codon 2165 of the IGSF10 mRNA. It is a 'silent' change, meaning that it does not change the encoded amino acid sequence of the IGSF10 protein. This variant is present in population databases (rs778916949, gnomAD 0.002%). This variant has not been reported in the literature in individuals affected with IGSF10-related conditions. Algorithms developed to predict the effect of sequence changes on RNA splicing suggest that this variant may create or strengthen a splice site. In summary, the available evidence is currently insufficient to determine the role of this variant in disease. Therefore, it has been classified as a Variant of Uncertain Significance.

NM_178822.5(IGSF10):c.6495C>A (p.Val2165=)

Gene: IGSF10 (immunoglobulin superfamily member 10; minus strand). Cytogenetic location: 3q25.1.
Variant type: single nucleotide variant.
Coding change: c.6495C>A on transcript NM_178822.5 (MANE Select); coding-DNA position 6495, C replaced by A.
Protein change: p.Val2165=; no amino-acid change (valine 2165 retained).
Molecular consequence: synonymous variant.
Genome position (GRCh38, 1-based): chr3:151,438,066, G>T on the plus strand (C>A on the coding strand, the complement: IGSF10 is on the minus strand). VCF-style: chr3-151438066-G-T. GRCh37 (hg19) VCF-style: chr3-151155854-G-T.
Other names: c.432C>A, p.Val144= (NM_001178145.3, NM_001178146.3); c.6495C>A, p.Val2165= (NM_001385060.1, NM_001385061.1, NM_001385062.1 and 1 more transcripts).
Identifiers: ClinVar variation 3701566 (VCV003701566.2).